The following is an entry in ClinVar:

NM_005996.4(TBX3):c.341A>T (p.Asp114Val)

Genes: TBX3-AS1 (TBX3 antisense RNA 1; plus strand), TBX3 (T-box transcription factor 3; minus strand). Cytogenetic location: 12q24.21.
Variant type: single nucleotide variant.
Coding change: c.341A>T on transcript NM_005996.4 (MANE Select); coding-DNA position 341, A replaced by T.
Protein change: p.Asp114Val; replaces aspartic acid 114 with valine.
Molecular consequence: missense variant.
Genome position (GRCh38, 1-based): chr12:114,682,860, T>A on the plus strand (A>T on the coding strand, the complement: TBX3 is on the minus strand). VCF-style: chr12-114682860-T-A. GRCh37 (hg19) VCF-style: chr12-115120665-T-A.
Other names: c.341A>T, p.Asp114Val (NM_016569.4); short protein forms D114V.
Identifiers: ClinVar variation 3574270 (VCV003574270.3).

ClinVar aggregate classification (germline): Uncertain significance. Review status: criteria provided, multiple submitters, no conflicts (2 of 4 stars). 2 submissions from 2 submitters: Uncertain significance (2). Last evaluated 2024-10-30.

Conditions:
Ulnar-mammary syndrome (UMS). Also called: PALLISTER ULNAR-MAMMARY SYNDROME; Ulnar-mammary syndrome of Pallister; SCHINZEL SYNDROME. Identifiers: Orphanet 3138, MedGen C1866994, MONDO:0008411, OMIM 181450.

gnomAD v4.1: 5 of 1,614,084 alleles (0.00031%); highest among the groups gnomAD compares: Non-Finnish European, 0.00042%; no homozygotes.

Submissions (2):

Labcorp Genetics (formerly Invitae), Labcorp
Classification: Uncertain significance for Ulnar-mammary syndrome. Last evaluated: 2024-10-30. Review status: criteria provided, single submitter. Criteria: Invitae Variant Classification Sherloc (09022015). Collection method: clinical testing. Allele origin: germline.
Comment: This sequence change replaces aspartic acid, which is acidic and polar, with valine, which is neutral and non-polar, at codon 114 of the TBX3 protein (p.Asp114Val). This variant is not present in population databases (gnomAD no frequency). This variant has not been reported in the literature in individuals affected with TBX3-related conditions. An algorithm developed to predict the effect of missense changes on protein structure and function (PolyPhen-2) suggests that this variant is likely to be disruptive. In summary, the available evidence is currently insufficient to determine the role of this variant in disease. Therefore, it has been classified as a Variant of Uncertain Significance.

Fulgent Genetics
Classification: Uncertain significance for Ulnar-mammary syndrome. Last evaluated: 2024-06-11. Review status: criteria provided, single submitter. Criteria: ACMG Guidelines, 2015. Collection method: clinical testing. Allele origin: germline.